The following is an entry in ClinVar:

NM_182920.2(ADAMTS9):c.4788C>T (p.Asp1596=)

Gene: ADAMTS9 (ADAM metallopeptidase with thrombospondin type 1 motif 9; minus strand). Cytogenetic location: 3p14.1.
Variant type: single nucleotide variant.
Coding change: c.4788C>T on transcript NM_182920.2 (MANE Select); coding-DNA position 4788, C replaced by T.
Protein change: p.Asp1596=; no amino-acid change (aspartic acid 1596 retained).
Molecular consequence: synonymous variant.
Genome position (GRCh38, 1-based): chr3:64,550,973, G>A on the plus strand (C>T on the coding strand, the complement: ADAMTS9 is on the minus strand). VCF-style: chr3-64550973-G-A. GRCh37 (hg19) VCF-style: chr3-64536649-G-A.
Other names: c.4704C>T, p.Asp1568= (NM_001318781.2).
Identifiers: ClinVar variation 782987 (VCV000782987.10), dbSNP rs141827552, ClinGen allele CA2480389.

ClinVar aggregate classification (germline): Benign. Review status: criteria provided, single submitter (1 of 4 stars). 2 submissions from 2 submitters: Benign (1). 1 of the submissions does not count toward it. Last evaluated 2025-11-10.

Conditions:
ADAMTS9-related disorder. Also called: ADAMTS9-related condition.

Allele frequency attached by ClinVar (database versions not stated): gnomAD exomes 0.00164 and 0.00254; ExAC 0.00312; gnomAD 0.00559 and 0.00572; TOPMed 0.00620; 1000 Genomes Project 30x 0.00765; ESP Exome Variant Server 0.00769; 1000 Genomes Project 0.00879.
gnomAD v4.1: 3,272 of 1,614,180 alleles (0.2%); highest among the groups gnomAD compares: African/African-American, 1.8%; 21 homozygotes.

Submissions (2):

Labcorp Genetics (formerly Invitae), Labcorp
Classification: Benign. Last evaluated: 2025-11-10. Review status: criteria provided, single submitter. Criteria: Invitae Variant Classification Sherloc (09022015). Collection method: clinical testing. Allele origin: germline.

PreventionGenetics, part of Exact Sciences
Classification: Benign for ADAMTS9-related condition. Last evaluated: 2019-06-18. Review status: no assertion criteria provided. Collection method: clinical testing. Allele origin: germline. Not counted in ClinVar's aggregate classification.
Comment: This variant is classified as benign based on ACMG/AMP sequence variant interpretation guidelines (Richards et al. 2015 PMID: 25741868, with internal and published modifications).